The following is an entry in ClinVar:

NM_000969.5(RPL5):c.192T>G (p.Ile64Met)

Genes: DIPK1A (divergent protein kinase domain 1A; minus strand), RPL5 (ribosomal protein L5; plus strand). Cytogenetic location: 1p22.1.
Variant type: single nucleotide variant.
Coding change: c.192T>G on transcript NM_000969.5 (MANE Select); coding-DNA position 192, T replaced by G.
Protein change: p.Ile64Met; replaces isoleucine 64 with methionine.
Molecular consequence: missense variant. On other transcripts: non-coding transcript variant (1), intron variant (1).
Genome position (GRCh38, 1-based): chr1:92,834,781, T>G. VCF-style: chr1-92834781-T-G. GRCh37 (hg19) VCF-style: chr1-93300338-T-G.
Other names: c.475-1747A>C (NM_001252273.2); short protein forms I64M.
Identifiers: ClinVar variation 2906460 (VCV002906460.3), dbSNP rs2524452277, ClinGen allele CA341241443.

ClinVar aggregate classification (germline): Uncertain significance (1 of 4 stars; one submission).

Conditions:
Diamond-Blackfan anemia. Also called: Blackfan Diamond syndrome; Aregenerative anemia chronic congenital; Red cell aplasia, pure hereditary; Congenital hypoplastic anemia; Aase syndrome. Identifiers: Orphanet 124, MedGen C1260899, MeSH D029503, MONDO:0015253, HP:0004810.

Submission:

Labcorp Genetics (formerly Invitae), Labcorp
Classification: Uncertain significance for Diamond-Blackfan anemia. Last evaluated: 2024-10-24. Review status: criteria provided, single submitter. Criteria: Invitae Variant Classification Sherloc (09022015). Collection method: clinical testing. Allele origin: germline.
Comment: This sequence change replaces isoleucine, which is neutral and non-polar, with methionine, which is neutral and non-polar, at codon 64 of the RPL5 protein (p.Ile64Met). This variant is not present in population databases (gnomAD no frequency). This variant has not been reported in the literature in individuals affected with RPL5-related conditions. An algorithm developed to predict the effect of missense changes on protein structure and function (PolyPhen-2) suggests that this variant is likely to be disruptive. In summary, the available evidence is currently insufficient to determine the role of this variant in disease. Therefore, it has been classified as a Variant of Uncertain Significance.